The following is an entry in ClinVar:

NM_000052.7(ATP7A):c.1768A>T (p.Arg590Ter)

Gene: ATP7A (ATPase copper transporting alpha; plus strand). Cytogenetic location: Xq21.1.
Variant type: single nucleotide variant.
Coding change: c.1768A>T on transcript NM_000052.7 (MANE Select); coding-DNA position 1768, A replaced by T.
Protein change: p.Arg590Ter; replaces arginine 590 with a stop codon.
Molecular consequence: nonsense.
Genome position (GRCh38, 1-based): chrX:78,009,162, A>T. VCF-style: chrX-78009162-A-T. GRCh37 (hg19) VCF-style: chrX-77264659-A-T.
Other names: c.1768A>T, p.Arg590Ter (NM_001282224.2); short protein forms R590*.
Identifiers: ClinVar variation 1725877 (VCV001725877.3), dbSNP rs146887876, ClinGen allele CA413597064.

ClinVar aggregate classification (germline): Likely pathogenic (1 of 4 stars; one submission).

Conditions:
Menkes kinky-hair syndrome (MNK). Also called: Copper transport disease; Classic Menkes Disease; Menkes Disease. Identifiers: Orphanet 565, MedGen C0022716, MONDO:0010651, OMIM 309400.

Submission:

Myriad Genetics, Inc.
Classification: Likely pathogenic for Menkes kinky-hair syndrome. Last evaluated: 2022-04-04. Review status: criteria provided, single submitter. Criteria: Myriad Autosomal Dominant, Autosomal Recessive and X-Linked Classification Criteria (2023). Collection method: clinical testing. Allele origin: unknown.
Comment: NM_000052.5(ATP7A):c.1768A>T(R590*) is expected to be pathogenic in the context of ATP7A-related disorders. This variant is predicted to lead to an abnormal or absent protein product due to the creation of a premature termination codon in ATP7A, a gene where loss-of-function variants are known to be pathogenic. Please note: this variant was assessed in the context of healthy population screening.